The following is an entry in ClinVar:

ClinVar aggregate classification (germline): Uncertain significance (1 of 4 stars; one submission).

Conditions:
Hereditary cancer-predisposing syndrome. Also called: Neoplastic Syndromes, Hereditary; Tumor predisposition; Hereditary neoplastic syndrome; Hereditary Cancer Syndrome. Identifiers: Orphanet 140162, MedGen C0027672, MeSH D009386, MONDO:0015356.

Submission:

Ambry Genetics
Classification: Uncertain significance for Hereditary cancer-predisposing syndrome. Last evaluated: 2024-02-02. Review status: criteria provided, single submitter. Criteria: Ambry Variant Classification Scheme 2023. Collection method: clinical testing. Allele origin: germline.
Comment: The p.H810L variant (also known as c.2429A>T), located in coding exon 10 of the MET gene, results from an A to T substitution at nucleotide position 2429. The histidine at codon 810 is replaced by leucine, an amino acid with similar properties. This amino acid position is conserved. In addition, the in silico prediction for this alteration is inconclusive. Based on the available evidence, the clinical significance of this alteration remains unclear.

NM_000245.4(MET):c.2375A>T (p.His792Leu)

Gene: MET (MET proto-oncogene, receptor tyrosine kinase; plus strand). Cytogenetic location: 7q31.2.
Variant type: single nucleotide variant.
Coding change: c.2375A>T on transcript NM_000245.4 (MANE Select); coding-DNA position 2375, A replaced by T.
Protein change: p.His792Leu; replaces histidine 792 with leucine.
Molecular consequence: missense variant.
Genome position (GRCh38, 1-based): chr7:116,763,060, A>T. VCF-style: chr7-116763060-A-T. GRCh37 (hg19) VCF-style: chr7-116403114-A-T.
Other names: c.2429A>T, p.His810Leu (NM_001127500.3); c.2375A>T, p.His792Leu (NM_001324401.3); c.1085A>T, p.His362Leu (NM_001324402.2); short protein forms H362L, H792L, H810L.
Identifiers: ClinVar variation 3232935 (VCV003232935.1), dbSNP rs980467681, ClinGen allele CA368982837.
Genomic context (GRCh38, chr7:116,763,060, plus strand): 5'-TGTTGCCAAGCTGTATTCTGTTTACAGTGGATAATTGTGTCTTTCTCTAGGCATGTCAAC[A>T]TCGCTCTAATTCAGAGATAATCTGTTGTACCACTCCTTCCCTGCAACAGCTGAATCTGCA-3'
Protein context (NP_000236.2, residues 782-802): AGRNFTVACQ[His792Leu]RSNSEIICCT